The following is an entry in ClinVar:

ClinVar aggregate classification (germline): Uncertain significance. Review status: criteria provided, multiple submitters, no conflicts (2 of 4 stars). 6 submissions from 6 submitters: Uncertain significance (6). Last evaluated 2025-07-31.

Conditions:
Hereditary nonpolyposis colorectal neoplasms. Identifiers: MedGen C0009405, MeSH D003123.
Hereditary cancer-predisposing syndrome. Also called: Hereditary neoplastic syndrome; Neoplastic Syndromes, Hereditary; Tumor predisposition; Hereditary Cancer Syndrome. Identifiers: Orphanet 140162, MedGen C0027672, MeSH D009386, MONDO:0015356.
Lynch syndrome 5 (LYNCH5). Also called: Hereditary non-polyposis colorectal cancer, type 5; Colorectal cancer, hereditary nonpolyposis, type 5. Identifiers: Orphanet 144, MedGen C1833477, MONDO:0013710, OMIM 614350. Disease mechanism: loss of function.
Endometrial carcinoma. Also called: Endometrial carcinoma, somatic. Identifiers: MedGen C0476089, MONDO:0002447, OMIM 608089, HP:0012114.

Allele frequency attached by ClinVar (database versions not stated): gnomAD exomes 0.00001.
gnomAD v4.1: 5 of 1,614,212 alleles (0.00031%); highest among the groups gnomAD compares: Non-Finnish European, 0.00042%; no homozygotes.

Submissions (6):

Labcorp Genetics (formerly Invitae), Labcorp
Classification: Uncertain significance for Hereditary nonpolyposis colorectal neoplasms. Last evaluated: 2025-07-31. Review status: criteria provided, single submitter. Criteria: Invitae Variant Classification Sherloc (09022015). Collection method: clinical testing. Allele origin: germline.
Comment: This sequence change replaces isoleucine, which is neutral and non-polar, with valine, which is neutral and non-polar, at codon 258 of the MSH6 protein (p.Ile258Val). This variant is not present in population databases (gnomAD no frequency). This variant has not been reported in the literature in individuals affected with MSH6-related conditions. ClinVar contains an entry for this variant (Variation ID: 185923). Invitae Evidence Modeling of protein sequence and biophysical properties (such as structural, functional, and spatial information, amino acid conservation, physicochemical variation, residue mobility, and thermodynamic stability) indicates that this missense variant is not expected to disrupt MSH6 protein function with a negative predictive value of 95%. In summary, the available evidence is currently insufficient to determine the role of this variant in disease. Therefore, it has been classified as a Variant of Uncertain Significance.

Color Diagnostics, LLC DBA Color Health
Classification: Uncertain significance for Hereditary cancer-predisposing syndrome. Last evaluated: 2025-05-27. Review status: criteria provided, single submitter. Criteria: ACMG Guidelines, 2015. Collection method: clinical testing. Allele origin: germline.
Comment: This missense variant replaces isoleucine with valine at codon 258 of the MSH6 protein. Computational prediction suggests that this variant may not impact protein structure and function. To our knowledge, functional studies have not been reported for this variant. This variant has not been reported in individuals affected with MSH6-related disorders in the literature. This variant has not been identified in the general population by the Genome Aggregation Database (gnomAD). The available evidence is insufficient to determine the role of this variant in disease conclusively. Therefore, this variant is classified as a Variant of Uncertain Significance.

Ambry Genetics
Classification: Uncertain significance for Hereditary cancer-predisposing syndrome. Last evaluated: 2025-01-21. Review status: criteria provided, single submitter. Criteria: Ambry Variant Classification Scheme 2023. Collection method: clinical testing. Allele origin: germline.
Comment: The p.I258V variant (also known as c.772A>G), located in coding exon 4 of the MSH6 gene, results from an A to G substitution at nucleotide position 772. The isoleucine at codon 258 is replaced by valine, an amino acid with highly similar properties. This amino acid position is not well conserved in available vertebrate species. In addition, this alteration is predicted to be tolerated by in silico analysis. Since supporting evidence is limited at this time, the clinical significance of this alteration remains unclear.

Baylor Genetics
Classification: Uncertain significance for Endometrial carcinoma. Last evaluated: 2024-02-23. Review status: criteria provided, single submitter. Criteria: ACMG Guidelines, 2015. Collection method: clinical testing. Allele origin: unknown.

St. Jude Molecular Pathology, St. Jude Children's Research Hospital
Classification: Uncertain significance for Lynch syndrome 5. Last evaluated: 2024-02-13. Review status: criteria provided, single submitter. Criteria: St. Jude Assertion Criteria 2020. Collection method: clinical testing. Allele origin: germline.
Comment: The MSH6 c.772A>G (p.Ile258Val) missense change is absent in gnomAD v2.1.1. The in silico tool REVEL predicts a benign effect on protein function, but to this prediction has not been confirmed by functional studies. This variant has not been reported in individuals with Lynch syndrome or constitutional mismatch repair deficiency. In summary, the evidence currently available is insufficient to determine the clinical significance of this variant. It has therefore been classified as of uncertain significance.

GeneDx
Classification: Uncertain significance. Last evaluated: 2022-09-13. Review status: criteria provided, single submitter. Criteria: GeneDx Variant Classification Process June 2021. Collection method: clinical testing. Allele origin: germline. Affected: yes.
Comment: Not observed at significant frequency in large population cohorts (gnomAD); In silico analysis supports that this missense variant does not alter protein structure/function; Has not been previously published as pathogenic or benign to our knowledge

NM_000179.3(MSH6):c.772A>G (p.Ile258Val)

Gene: MSH6 (mutS homolog 6; plus strand). Cytogenetic location: 2p16.3.
Variant type: single nucleotide variant.
Coding change: c.772A>G on transcript NM_000179.3 (MANE Select); coding-DNA position 772, A replaced by G.
Protein change: p.Ile258Val; replaces isoleucine 258 with valine.
Molecular consequence: missense variant. On other transcripts: 5 prime UTR variant (2).
Genome position (GRCh38, 1-based): chr2:47,798,755, A>G. VCF-style: chr2-47798755-A-G. GRCh37 (hg19) VCF-style: chr2-48025894-A-G.
Other names: c.382A>G, p.Ile128Val (NM_001281492.2); c.-135A>G (NM_001281493.2, NM_001281494.2); short protein forms I258V, I128V.
Identifiers: ClinVar variation 185923 (VCV000185923.21), dbSNP rs786202565, ClinGen allele CA016458.